The following is an entry in ClinVar:

NM_001042492.3(NF1):c.5066A>G (p.Tyr1689Cys)

Gene: NF1 (neurofibromin 1; plus strand). Cytogenetic location: 17q11.2.
Variant type: single nucleotide variant.
Coding change: c.5066A>G on transcript NM_001042492.3 (MANE Select); coding-DNA position 5066, A replaced by G.
Protein change: p.Tyr1689Cys; replaces tyrosine 1689 with cysteine.
Molecular consequence: missense variant.
Genome position (GRCh38, 1-based): chr17:31,326,050, A>G. VCF-style: chr17-31326050-A-G. GRCh37 (hg19) VCF-style: chr17-29653068-A-G.
Other names: c.5003A>G, p.Tyr1668Cys (NM_000267.4); short protein forms Y1668C, Y1689C.
Identifiers: ClinVar variation 2955267 (VCV002955267.5), dbSNP rs2151538342, ClinGen allele CA399007437.
Genomic context (GRCh38, chr17:31,326,050, plus strand): 5'-TTGCTTACGACAACGTCTCCGCAGTCTATATCTATAACTGTAACTCCTGGGTCAGGGAGT[A>G]CACCAAGTATCATGAGCGGCTGCTGACTGGCCTCAAAGGTAGCAAAAGGCTTGTTTTCAT-3'
Protein context (NP_001035957.1, residues 1679-1699): IYNCNSWVRE[Tyr1689Cys]TKYHERLLTG

ClinVar aggregate classification (germline): Uncertain significance. Review status: criteria provided, multiple submitters, no conflicts (2 of 4 stars). 2 submissions from 2 submitters: Uncertain significance (2). Last evaluated 2025-12-17.

Conditions:
Neurofibromatosis, type 1 (NF1). Also called: VON RECKLINGHAUSEN DISEASE; NEUROFIBROMATOSIS, TYPE I, SOMATIC; Peripheral type neurofibromatosis; Neurofibromatosis, type I. Identifiers: Orphanet 636, MedGen C0027831, MONDO:0018975, OMIM 162200. Disease mechanism: loss of function.

Allele frequency attached by ClinVar (database versions not stated): gnomAD exomes below 0.00001.
gnomAD v4.1: 2 of 1,614,198 alleles (0.00012%); highest among the groups gnomAD compares: Non-Finnish European, 0.00017%; no homozygotes.

Submissions (2):

Dasa
Classification: Uncertain significance. Last evaluated: 2025-12-17. Review status: criteria provided, single submitter. Criteria: DASA Assertion Criteria. Collection method: clinical testing. Allele origin: germline.
Comment: NM_001042492.3(NF1):c.5066A>G (p.Tyr1689Cys) is a missense variant that results in the substitution of tyrosine with cysteine. This variant is rare in population databases. Computational prediction algorithms are consistent with a deleterious effect. The currently available literature and clinical evidence are not sufficient to establish a definitive association between this variant and the reported condition. Therefore, this variant is classified as a variant of uncertain significance.

Labcorp Genetics (formerly Invitae), Labcorp
Classification: Uncertain significance for Neurofibromatosis, type 1. Last evaluated: 2024-09-17. Review status: criteria provided, single submitter. Criteria: Invitae Variant Classification Sherloc (09022015). Collection method: clinical testing. Allele origin: germline.
Comment: This sequence change replaces tyrosine, which is neutral and polar, with cysteine, which is neutral and slightly polar, at codon 1668 of the NF1 protein (p.Tyr1668Cys). This variant is not present in population databases (gnomAD no frequency). This variant has not been reported in the literature in individuals affected with NF1-related conditions. Invitae Evidence Modeling of protein sequence and biophysical properties (such as structural, functional, and spatial information, amino acid conservation, physicochemical variation, residue mobility, and thermodynamic stability) indicates that this missense variant is expected to disrupt NF1 protein function with a positive predictive value of 95%. In summary, the available evidence is currently insufficient to determine the role of this variant in disease. Therefore, it has been classified as a Variant of Uncertain Significance.